The following is an entry in ClinVar:

NM_002224.4(ITPR3):c.3207G>A (p.Pro1069=)

Gene: ITPR3 (inositol 1,4,5-trisphosphate receptor type 3; plus strand). Cytogenetic location: 6p21.31.
Variant type: single nucleotide variant.
Coding change: c.3207G>A on transcript NM_002224.4 (MANE Select); coding-DNA position 3207, G replaced by A.
Protein change: p.Pro1069=; no amino-acid change (proline 1069 retained).
Molecular consequence: synonymous variant.
Genome position (GRCh38, 1-based): chr6:33,675,781, G>A. VCF-style: chr6-33675781-G-A. GRCh37 (hg19) VCF-style: chr6-33643558-G-A.
Identifiers: ClinVar variation 1261107 (VCV001261107.4), dbSNP rs2229637, ClinGen allele CA3760863.

ClinVar aggregate classification (germline): Benign. Review status: criteria provided, single submitter (1 of 4 stars). 2 submissions from 2 submitters: Benign (1). 1 of the submissions does not count toward it. Last evaluated 2021-05-04.

Conditions:
ITPR3-related disorder. Also called: ITPR3-related condition.

Allele frequency attached by ClinVar (database versions not stated): 1000 Genomes Project 0.17772; 1000 Genomes Project 30x 0.17926; gnomAD exomes 0.22804 and 0.26703; gnomAD 0.23946 and 0.24436; TOPMed 0.24699; ESP Exome Variant Server 0.25473; ExAC 0.27086.
gnomAD v4.1: 425,258 of 1,609,852 alleles (26%); highest among the groups gnomAD compares: Middle Eastern, 30%; 58,852 homozygotes.

Submissions (2):

GeneDx
Classification: Benign. Last evaluated: 2021-05-04. Review status: criteria provided, single submitter. Criteria: GeneDx Variant Classification Process June 2021. Collection method: clinical testing. Allele origin: germline. Affected: yes.

PreventionGenetics, part of Exact Sciences
Classification: Benign for ITPR3-related condition. Last evaluated: 2019-10-28. Review status: no assertion criteria provided. Collection method: clinical testing. Allele origin: germline. Not counted in ClinVar's aggregate classification.
Comment: This variant is classified as benign based on ACMG/AMP sequence variant interpretation guidelines (Richards et al. 2015 PMID: 25741868, with internal and published modifications).